The following is an entry in ClinVar:

ClinVar aggregate classification (germline): Uncertain significance. Review status: criteria provided, multiple submitters, no conflicts (2 of 4 stars). 6 submissions from 6 submitters: Uncertain significance (5). 1 of the submissions does not count toward it. Last evaluated 2025-10-02.

Conditions:
Malignant hyperthermia, susceptibility to, 1 (MHS1). Also called: Malignant hyperthermia suceptibility 1; Anesthesia related hyperthermia; Malignant hyperpyrexia; Fulminating hyperpyrexia; Pharmacogenic myopathy; RYR1-Related Malignant Hyperthermia Susceptibility. Identifiers: Orphanet 423, MedGen C2930980, MONDO:0007783, OMIM 145600.
Congenital multicore myopathy with external ophthalmoplegia (CMYO1B). Also called: MULTIMINICORE DISEASE WITH EXTERNAL OPHTHALMOPLEGIA; MULTICORE MYOPATHY; Congenital myopathy 1B, autosomal recessive; Minicore myopathy; Minicore myopathy with external ophthalmoplegia. Identifiers: Orphanet 598, Orphanet 98905, MedGen C1850674, MONDO:0009712, OMIM 255320, HP:0003789.
Congenital myopathy with fiber type disproportion. Also called: Congenital fiber-type disproportion myopathy; Congenital fiber-type disproportion. Identifiers: Orphanet 2020, MedGen C0546264, MONDO:0009711. Inheritance: all.
Central core myopathy (CMYO1A). Also called: CONGENITAL MYOPATHY 1A, AUTOSOMAL DOMINANT, WITH SUSCEPTIBILITY TO MALIGNANT HYPERTHERMIA; Central core disease; Myopathy, central fibrillar. Identifiers: Orphanet 597, MedGen C5830701, MONDO:0007294, OMIM 117000.
King Denborough syndrome (KDS). Identifiers: MedGen C1840365, MONDO:0020485, OMIM 619542.
RYR1-related disorder. Also called: RYR1-related condition; RYR1-related disorders. Identifiers: MedGen CN239331.

Submissions (6):

Color Diagnostics, LLC DBA Color Health
Classification: Uncertain significance for Malignant hyperthermia, susceptibility to, 1. Last evaluated: 2025-10-02. Review status: criteria provided, single submitter. Criteria: ACMG Guidelines, 2015. Collection method: clinical testing. Allele origin: germline.
Comment: This variant causes a deletion of one amino acid at codon 2832 in the RYR1 protein. To our knowledge, functional studies have not been reported for this variant. This variant has not been reported in individuals affected with RYR1-related disorders in the literature. This variant has been identified in 3/251244 chromosomes in the general population by the Genome Aggregation Database (gnomAD). The available evidence is insufficient to determine the role of this variant in disease conclusively. Therefore, this variant is classified as a Variant of Uncertain Significance.

GeneDx
Classification: Uncertain significance. Last evaluated: 2025-05-11. Review status: criteria provided, single submitter. Criteria: GeneDx Variant Classification Process June 2021. Collection method: clinical testing. Allele origin: germline.
Comment: Not observed at significant frequency in large population cohorts (gnomAD); In-frame deletion of 1 amino acid in a non-repeat region; In silico analysis supports a deleterious effect on protein structure/function; Has not been previously published as pathogenic or benign to our knowledge; This variant is associated with the following publications: (PMID: 12668474)

Labcorp Genetics (formerly Invitae), Labcorp
Classification: Uncertain significance for RYR1-related disorder. Last evaluated: 2025-01-06. Review status: criteria provided, single submitter. Criteria: Invitae Variant Classification Sherloc (09022015). Collection method: clinical testing. Allele origin: germline.
Comment: This variant, c.8494_8496del, results in the deletion of 1 amino acid(s) of the RYR1 protein (p.Glu2832del), but otherwise preserves the integrity of the reading frame. This variant is present in population databases (rs767722812, gnomAD 0.01%). This variant has not been reported in the literature in individuals affected with RYR1-related conditions. Experimental studies and prediction algorithms are not available or were not evaluated, and the functional significance of this variant is currently unknown. In summary, the available evidence is currently insufficient to determine the role of this variant in disease. Therefore, it has been classified as a Variant of Uncertain Significance.

Revvity Omics, Revvity
Classification: Uncertain significance. Last evaluated: 2023-03-28. Review status: criteria provided, single submitter. Criteria: ACMG Guidelines, 2015. Collection method: clinical testing. Allele origin: germline.

Fulgent Genetics
Classification: Uncertain significance for Central core myopathy; Malignant hyperthermia, susceptibility to, 1; Congenital myopathy 4A, autosomal dominant; Congenital multicore myopathy with external ophthalmoplegia; King Denborough syndrome. Last evaluated: 2021-08-25. Review status: criteria provided, single submitter. Criteria: ACMG Guidelines, 2015. Collection method: clinical testing. Allele origin: unknown.

PreventionGenetics, part of Exact Sciences
Classification: Uncertain significance for RYR1-related condition. Last evaluated: 2024-06-26. Review status: no assertion criteria provided. Collection method: clinical testing. Allele origin: germline. Not counted in ClinVar's aggregate classification.
Comment: The RYR1 c.8494_8496delGAG variant is predicted to result in an in-frame deletion (p.Glu2832del). To our knowledge, this variant has not been reported in the literature. This variant is reported in 0.0099% of alleles in individuals of Ashkenazi Jewish descent in gnomAD. At this time, the clinical significance of this variant is uncertain due to the absence of conclusive functional and genetic evidence.

NM_000540.3(RYR1):c.8488GAG[2] (p.Glu2832del)

Genes: RYR1 (ryanodine receptor 1; plus strand), LOC126862902 (BRD4-independent group 4 enhancer GRCh37_chr19:38995830-38997029; plus strand). Cytogenetic location: 19q13.2.
Variant type: Microsatellite.
Coding change: c.8488GAG[2] on transcript NM_000540.3 (MANE Select); two copies in a row of the 3-base unit GAG starting at c.8488; the reference has three copies in a row; one copy, 3 bases deleted; also written c.8494_8496del.
Protein change: p.Glu2832del; deletes glutamic acid 2832.
Molecular consequence: inframe deletion.
Genome position (GRCh38, 1-based): chr19:38,505,899-38,505,901, GAG deleted; deleting any 3 consecutive bases within chr19:38,505,893-38,505,901 gives the same sequence; the position shown is the placement nearest the transcript's 3' end. VCF-style (leftmost placement, unchanged base first): chr19-38505892-TGAG-T. GRCh37 (hg19) VCF-style: chr19-38996532-TGAG-T.
Other names: c.8494_8496del (NM_000540.2, NM_000540.3); c.8488GAG[2], p.Glu2832del (NM_001042723.2); c.8494_8496delGAG (NM_000540.2); short protein forms E2832del.
Identifiers: ClinVar variation 544422 (VCV000544422.12), dbSNP rs767722812, ClinGen allele CA308117556.